The following is an entry in ClinVar:

ClinVar aggregate classification (germline): Uncertain significance (1 of 4 stars; one submission).

Conditions:
Hyperphosphatasia with intellectual disability syndrome 5 (GPIBD11). Also called: GLYCOSYLPHOSPHATIDYLINOSITOL BIOSYNTHESIS DEFECT 11. Identifiers: Orphanet 247262, MedGen C4014958, MONDO:0014457, OMIM 616025.

Allele frequency attached by ClinVar (database versions not stated): gnomAD exomes below 0.00001; TOPMed below 0.00001; gnomAD 0.00001.
gnomAD v4.1: 6 of 1,603,588 alleles (0.00037%); highest among the groups gnomAD compares: Non-Finnish European, 0.00034%; no homozygotes.

Submission:

Labcorp Genetics (formerly Invitae), Labcorp
Classification: Uncertain significance for Hyperphosphatasia with intellectual disability syndrome 5. Last evaluated: 2024-10-07. Review status: criteria provided, single submitter. Criteria: Invitae Variant Classification Sherloc (09022015). Collection method: clinical testing. Allele origin: germline.
Comment: This sequence change replaces aspartic acid, which is acidic and polar, with asparagine, which is neutral and polar, at codon 498 of the PIGW protein (p.Asp498Asn). This variant is not present in population databases (gnomAD no frequency). This variant has not been reported in the literature in individuals affected with PIGW-related conditions. ClinVar contains an entry for this variant (Variation ID: 1408650). Invitae Evidence Modeling of protein sequence and biophysical properties (such as structural, functional, and spatial information, amino acid conservation, physicochemical variation, residue mobility, and thermodynamic stability) indicates that this missense variant is not expected to disrupt PIGW protein function with a negative predictive value of 80%. In summary, the available evidence is currently insufficient to determine the role of this variant in disease. Therefore, it has been classified as a Variant of Uncertain Significance.

NM_001346754.2(PIGW):c.1492G>A (p.Asp498Asn)

Genes: MYO19 (myosin XIX; minus strand), PIGW (phosphatidylinositol glycan anchor biosynthesis class W; plus strand). Cytogenetic location: 17q12.
Variant type: single nucleotide variant.
Coding change: c.1492G>A on transcript NM_001346754.2 (MANE Select); coding-DNA position 1492, G replaced by A.
Protein change: p.Asp498Asn; replaces aspartic acid 498 with asparagine.
Molecular consequence: missense variant.
Genome position (GRCh38, 1-based): chr17:36,538,593, G>A. VCF-style: chr17-36538593-G-A. GRCh37 (hg19) VCF-style: chr17-34894442-G-A.
Other names: c.1492G>A, p.Asp498Asn (NM_001346755.2, NM_178517.5); short protein forms D498N.
Identifiers: ClinVar variation 1408650 (VCV001408650.6), dbSNP rs1427870747, ClinGen allele CA399165102.
Genomic context (GRCh38, chr17:36,538,593, plus strand): 5'-TTTGTGGTCAATCTCTATATGTTTTCCAACTGTTTAATTGTATATGTACTATATTTGCAA[G>A]ATAAGACTGTACAATTTTGGTGATCAGCAGGAGTAGGATATATAAGTATTTGGGCAATAT-3'
Protein context (NP_001333683.1, residues 488-504): CLIVYVLYLQ[Asp498Asn]KTVQFW